The following is an entry in ClinVar:

NM_015570.4(AUTS2):c.515T>C (p.Leu172Pro)

Gene: AUTS2 (activator of transcription and developmental regulator AUTS2; plus strand). Cytogenetic location: 7q11.22.
Variant type: single nucleotide variant.
Coding change: c.515T>C on transcript NM_015570.4 (MANE Select); coding-DNA position 515, T replaced by C.
Protein change: p.Leu172Pro; replaces leucine 172 with proline.
Molecular consequence: missense variant.
Genome position (GRCh38, 1-based): chr7:69,899,491, T>C. VCF-style: chr7-69899491-T-C. GRCh37 (hg19) VCF-style: chr7-69364477-T-C.
Other names: c.515T>C, p.Leu172Pro (NM_001127231.3, NM_001127232.3); short protein forms L172P.
Identifiers: ClinVar variation 4697582 (VCV004697582.1).

ClinVar aggregate classification (germline): Uncertain significance (1 of 4 stars; one submission).

Submission:

Labcorp Genetics (formerly Invitae), Labcorp
Classification: Uncertain significance. Last evaluated: 2025-05-10. Review status: criteria provided, single submitter. Criteria: Invitae Variant Classification Sherloc (09022015). Collection method: clinical testing. Allele origin: germline.
Comment: This sequence change replaces leucine, which is neutral and non-polar, with proline, which is neutral and non-polar, at codon 172 of the AUTS2 protein (p.Leu172Pro). This variant is present in population databases (no rsID available, gnomAD 0.007%). This variant has not been reported in the literature in individuals affected with AUTS2-related conditions. An algorithm developed to predict the effect of missense changes on protein structure and function (PolyPhen-2) suggests that this variant is likely to be tolerated. In summary, the available evidence is currently insufficient to determine the role of this variant in disease. Therefore, it has been classified as a Variant of Uncertain Significance.